The following is an entry in ClinVar:

NM_001365536.1(SCN9A):c.1314+1G>T

Genes: SCN1A-AS1 (SCN1A and SCN9A antisense RNA 1; plus strand), SCN9A (sodium voltage-gated channel alpha subunit 9; minus strand). Cytogenetic location: 2q24.3.
Variant type: single nucleotide variant.
Coding change: c.1314+1G>T on transcript NM_001365536.1 (MANE Select); the canonical splice donor site of the intron after coding-DNA position 1314, G replaced by T.
Molecular consequence: splice donor variant.
Genome position (GRCh38, 1-based): chr2:166,288,436, C>A on the plus strand (G>T on the coding strand, the complement: SCN9A is on the minus strand). VCF-style: chr2-166288436-C-A. GRCh37 (hg19) VCF-style: chr2-167144946-C-A.
Other names: c.1314+1G>T (NM_002977.4).
Identifiers: ClinVar variation 577625 (VCV000577625.10), dbSNP rs1295192882, ClinGen allele CA349085560.

ClinVar aggregate classification (germline): Likely pathogenic (1 of 4 stars; one submission).

Conditions:
Neuropathy, hereditary sensory and autonomic, type 2A (HSAN2A). Also called: HSAN IIA; ACROOSTEOLYSIS, GIACCAI TYPE; ACROOSTEOLYSIS, NEUROGENIC; WNK1-Related HSAN2 (HSAN2A); MORVAN DISEASE; NEUROPATHY, CONGENITAL SENSORY. Identifiers: Orphanet 970, MedGen C2752089, MONDO:0024309, OMIM 201300.
Generalized epilepsy with febrile seizures plus, type 7 (GEFSP7). Also called: GEFS+, TYPE 7. Identifiers: Orphanet 36387, MedGen C2751778, MONDO:0013470, OMIM 613863.

Allele frequency attached by ClinVar (database versions not stated): gnomAD exomes below 0.00001.
gnomAD v4.1: 18 of 1,604,714 alleles (0.0011%); highest among the groups gnomAD compares: Admixed American, 0.0017%; no homozygotes.

Submission:

Labcorp Genetics (formerly Invitae), Labcorp
Classification: Likely pathogenic for Neuropathy, hereditary sensory and autonomic, type 2A; Generalized epilepsy with febrile seizures plus, type 7. Last evaluated: 2025-08-18. Review status: criteria provided, single submitter. Criteria: Invitae Variant Classification Sherloc (09022015). Collection method: clinical testing. Allele origin: germline.
Comment: This sequence change affects a donor splice site in intron 10 of the SCN9A gene. It is expected to disrupt RNA splicing. Variants that disrupt the donor or acceptor splice site typically lead to a loss of protein function (PMID: 16199547), and loss-of-function variants in SCN9A are known to be pathogenic (PMID: 17470132, 19304393). The frequency data for this variant in the population databases is considered unreliable, as metrics indicate poor data quality at this position in the gnomAD database. This variant has not been reported in the literature in individuals affected with SCN9A-related conditions. ClinVar contains an entry for this variant (Variation ID: 577625). Algorithms developed to predict the effect of sequence changes on RNA splicing suggest that this variant may disrupt the consensus splice site. In summary, the currently available evidence indicates that the variant is pathogenic, but additional data are needed to prove that conclusively. Therefore, this variant has been classified as Likely Pathogenic.

Literature cited by the submitters: PubMed 16199547; PubMed 17470132; PubMed 19304393.